The following is an entry in ClinVar:

NM_014806.5(RUSC2):c.4299G>C (p.Lys1433Asn)

Gene: RUSC2 (RUN and SH3 domain containing 2; plus strand). Cytogenetic location: 9p13.3.
Variant type: single nucleotide variant.
Coding change: c.4299G>C on transcript NM_014806.5 (MANE Select); coding-DNA position 4299, G replaced by C.
Protein change: p.Lys1433Asn; replaces lysine 1433 with asparagine.
Molecular consequence: missense variant. On other transcripts: non-coding transcript variant (1).
Genome position (GRCh38, 1-based): chr9:35,561,047, G>C. VCF-style: chr9-35561047-G-C. GRCh37 (hg19) VCF-style: chr9-35561044-G-C.
Other names: c.4299G>C, p.Lys1433Asn (NM_001135999.2); c.1665G>C, p.Lys555Asn (NM_001330740.2); short protein forms K1433N, K555N.
Identifiers: ClinVar variation 2106776 (VCV002106776.4), dbSNP rs2490419876, ClinGen allele CA373357237.

ClinVar aggregate classification (germline): Uncertain significance (1 of 4 stars; one submission).

Submission:

Labcorp Genetics (formerly Invitae), Labcorp
Classification: Uncertain significance. Last evaluated: 2024-01-22. Review status: criteria provided, single submitter. Criteria: Invitae Variant Classification Sherloc (09022015). Collection method: clinical testing. Allele origin: germline.
Comment: This sequence change replaces lysine, which is basic and polar, with asparagine, which is neutral and polar, at codon 1433 of the RUSC2 protein (p.Lys1433Asn). This variant is not present in population databases (gnomAD no frequency). This variant has not been reported in the literature in individuals affected with RUSC2-related conditions. ClinVar contains an entry for this variant (Variation ID: 2106776). An algorithm developed to predict the effect of missense changes on protein structure and function (PolyPhen-2) suggests that this variant is likely to be tolerated. In summary, the available evidence is currently insufficient to determine the role of this variant in disease. Therefore, it has been classified as a Variant of Uncertain Significance.